The following is an entry in ClinVar:

ClinVar aggregate classification (germline): Uncertain significance (1 of 4 stars; one submission).

Conditions:
Chédiak-Higashi syndrome (CHS). Also called: Chediak-Higashi Syndrome. Identifiers: Orphanet 167, MedGen C0007965, MONDO:0008963, OMIM 214500.

gnomAD v4.1: 11 of 1,551,156 alleles (0.00071%); highest among the groups gnomAD compares: Non-Finnish European, 0.00098%; no homozygotes.

Submission:

Labcorp Genetics (formerly Invitae), Labcorp
Classification: Uncertain significance for Chédiak-Higashi syndrome. Last evaluated: 2023-07-19. Review status: criteria provided, single submitter. Criteria: Invitae Variant Classification Sherloc (09022015). Collection method: clinical testing. Allele origin: germline.
Comment: This sequence change replaces threonine, which is neutral and polar, with proline, which is neutral and non-polar, at codon 1315 of the LYST protein (p.Thr1315Pro). This variant is present in population databases (no rsID available, gnomAD 0.0009%). This variant has not been reported in the literature in individuals affected with LYST-related conditions. Advanced modeling of protein sequence and biophysical properties (such as structural, functional, and spatial information, amino acid conservation, physicochemical variation, residue mobility, and thermodynamic stability) performed at Invitae indicates that this missense variant is not expected to disrupt LYST protein function. In summary, the available evidence is currently insufficient to determine the role of this variant in disease. Therefore, it has been classified as a Variant of Uncertain Significance.

NM_000081.4(LYST):c.3943A>C (p.Thr1315Pro)

Gene: LYST (lysosomal trafficking regulator; minus strand). Cytogenetic location: 1q42.3.
Variant type: single nucleotide variant.
Coding change: c.3943A>C on transcript NM_000081.4 (MANE Select); coding-DNA position 3943, A replaced by C.
Protein change: p.Thr1315Pro; replaces threonine 1315 with proline.
Molecular consequence: missense variant.
Genome position (GRCh38, 1-based): chr1:235,800,383, T>G on the plus strand (A>C on the coding strand, the complement: LYST is on the minus strand). VCF-style: chr1-235800383-T-G. GRCh37 (hg19) VCF-style: chr1-235963683-T-G.
Other names: c.3943A>C, p.Thr1315Pro (NM_001301365.1); short protein forms T1315P.
Identifiers: ClinVar variation 2726186 (VCV002726186.3), dbSNP rs1470941414, ClinGen allele CA344942400.